The following is an entry in ClinVar:

NM_000135.4(FANCA):c.2806G>A (p.Glu936Lys)

Gene: FANCA (FA complementation group A; minus strand). Cytogenetic location: 16q24.3.
Variant type: single nucleotide variant.
Coding change: c.2806G>A on transcript NM_000135.4 (MANE Select); coding-DNA position 2806, G replaced by A.
Protein change: p.Glu936Lys; replaces glutamic acid 936 with lysine.
Molecular consequence: missense variant.
Genome position (GRCh38, 1-based): chr16:89,761,995, C>T on the plus strand (G>A on the coding strand, the complement: FANCA is on the minus strand). VCF-style: chr16-89761995-C-T. GRCh37 (hg19) VCF-style: chr16-89828403-C-T.
Other names: c.2806G>A, p.Glu936Lys (NM_001286167.3); short protein forms E936K.
Identifiers: ClinVar variation 974040 (VCV000974040.1), dbSNP rs2038968872, ClinGen allele CA397433665.
Genomic context (GRCh38, chr16:89,761,995, plus strand): 5'-TTTTCAACACTTACCGTTCAGTATCTGAAAGAGCATCAGCTTCAGGTTGAATTTCCAGCT[C>T]CAGGTGTAACCAGTCTTGGTAAGTTAACTGAGAAAGAGAGCAAGCAATTCAATACAATGA-3'
Protein context (NP_000126.2, residues 926-946): HLTYQDWLHL[Glu936Lys]LEIQPEADAL

ClinVar aggregate classification (germline): Pathogenic (0 of 4 stars; one submission).

Conditions:
Fanconi anemia complementation group A (FANCA). Also called: Fanconi anemia, group A; FANCA-Related Fanconi Anemia. Identifiers: Orphanet 84, MedGen C3469521, MONDO:0009215, OMIM 227650.

Allele frequency attached by ClinVar (database versions not stated): gnomAD exomes below 0.00001.
gnomAD v4.1: 1 of 1,613,960 alleles (0.000062%); highest among the groups gnomAD compares: Non-Finnish European, 0.000085%; no homozygotes.

Submission:

Leiden Open Variation Database
Classification: Pathogenic for Fanconi anemia complementation group A. Last evaluated: 2020-02-28. Review status: no assertion criteria provided. Collection method: curation. Allele origin: germline. Affected: yes.
Comment: Curator: Arleen D. Auerbach. Submitter to LOVD: Arleen D. Auerbach.

Literature cited by the submitters: PubMed 16084127.